The following is an entry in ClinVar:

NM_201384.3(PLEC):c.10656G>A (p.Val3552=)

Gene: PLEC (plectin; minus strand). Cytogenetic location: 8q24.3.
Variant type: single nucleotide variant.
Coding change: c.10656G>A on transcript NM_201384.3 (MANE Select); coding-DNA position 10656, G replaced by A.
Protein change: p.Val3552=; no amino-acid change (valine 3552 retained).
Molecular consequence: synonymous variant.
Genome position (GRCh38, 1-based): chr8:143,919,165, C>T on the plus strand (G>A on the coding strand, the complement: PLEC is on the minus strand). VCF-style: chr8-143919165-C-T. GRCh37 (hg19) VCF-style: chr8-144993333-C-T.
Other names: c.10737G>A, p.Val3579= (NM_000445.5); c.10614G>A, p.Val3538= (NM_201378.4); c.10590G>A, p.Val3530= (NM_201379.3); c.11067G>A, p.Val3689= (NM_201380.4); c.10560G>A, p.Val3520= (NM_201381.3); c.10656G>A, p.Val3552= (NM_201382.4); c.10668G>A, p.Val3556= (NM_201383.3).
Identifiers: ClinVar variation 93019 (VCV000093019.32), dbSNP rs368312695, ClinGen allele CA220845.
Genomic context (GRCh38, chr8:143,919,165, plus strand): 5'-GATCTGTGTCTCTTCAAATGCCCTTCTTGTCTCCTCCTCAGTGTACACCTGCGTGGTCTC[C>T]ACCACCTCAGCCTTCTCCGCCCCTTTCAGTGGCAGAAGGCGCAAGCCCGTCTCGGGGTCC-3'
Protein context (NP_958786.1, residues 3542-3562): PLKGAEKAEV[Val3552=]ETTQVYTEEE

ClinVar aggregate classification (germline): Conflicting classifications of pathogenicity. Review status: criteria provided, conflicting classifications (1 of 4 stars). 7 submissions from 7 submitters: Uncertain significance (1); Benign (1); Likely benign (4). 1 of the submissions does not count toward it. Last evaluated 2026-01-14.

Conditions:
Epidermolysis bullosa simplex, Ogna type (EBS5A). Also called: Pidermolysis bullosa simplex 5A, Ogna type; EPIDERMOLYSIS BULLOSA SIMPLEX 5A, OGNA TYPE. Identifiers: Orphanet 79401, MedGen C0432317, MONDO:0007555, OMIM 131950.
Epidermolysis bullosa simplex with nail dystrophy (EBS5D). Identifiers: MedGen C4225309, MONDO:0014661, OMIM 616487.
Epidermolysis bullosa simplex 5C, with pyloric atresia (EBS5C). Also called: PLEC1-Related Epidermolysis Bullosa with Pyloric Atresia; PLEC-Related Epidermolysis Bullosa with Pyloric Atresia; Epidermolysis bullosa simplex with pyloric atresia. Identifiers: Orphanet 158684, MedGen C2677349, MONDO:0012807, OMIM 612138.
Epidermolysis bullosa simplex 5B, with muscular dystrophy (EBS5B). Also called: EPIDERMOLYSIS BULLOSA SIMPLEX AND LIMB-GIRDLE MUSCULAR DYSTROPHY; Epidermolysis bullosa simplex with muscular dystrophy. Identifiers: Orphanet 257, MedGen C2931072, MONDO:0009181, OMIM 226670.
Autosomal recessive limb-girdle muscular dystrophy type 2Q (LGMDR17). Also called: MUSCULAR DYSTROPHY, LIMB-GIRDLE, AUTOSOMAL RECESSIVE 17. Identifiers: Orphanet 254361, MedGen C3150989, MONDO:0013390, OMIM 613723.
PLEC-related disorder. Also called: PLEC-related disorders; PLEC-related condition.

Allele frequency attached by ClinVar (database versions not stated): gnomAD exomes 0.00011 and 0.00024; ExAC 0.00028; ESP Exome Variant Server 0.00047; 1000 Genomes Project 0.00060; 1000 Genomes Project 30x 0.00078; gnomAD 0.00084 and 0.00091; TOPMed 0.00088.
gnomAD v4.1: 284 of 1,613,626 alleles (0.018%); highest among the groups gnomAD compares: African/African-American, 0.32%; no homozygotes.

Submissions (7):

Labcorp Genetics (formerly Invitae), Labcorp
Classification: Benign for Autosomal recessive limb-girdle muscular dystrophy type 2Q; Epidermolysis bullosa simplex, Ogna type; Epidermolysis bullosa simplex with nail dystrophy; Epidermolysis bullosa simplex 5C, with pyloric atresia; Epidermolysis bullosa simplex 5B, with muscular dystrophy. Last evaluated: 2026-01-14. Review status: criteria provided, single submitter. Criteria: Invitae Variant Classification Sherloc (09022015). Collection method: clinical testing. Allele origin: germline.

Women's Health and Genetics/Laboratory Corporation of America, LabCorp
Classification: Likely benign. Last evaluated: 2025-12-26. Review status: criteria provided, single submitter. Criteria: LabCorp Variant Classification Summary - May 2015. Collection method: clinical testing. Allele origin: germline.

CeGaT Center for Human Genetics Tuebingen
Classification: Likely benign. Last evaluated: 2025-05-01. Review status: criteria provided, single submitter. Criteria: CeGaT Center For Human Genetics Tuebingen Variant Classification Criteria Version 2. Collection method: clinical testing. Allele origin: germline. Affected: yes. Observed: 1 variant allele.
Comment: PLEC: BP4, BP7

Blueprint Genetics
Classification: Likely benign. Last evaluated: 2024-09-13. Review status: criteria provided, single submitter. Criteria: ACMG Guidelines, 2015. Collection method: clinical testing. Allele origin: germline.

GeneDx
Classification: Likely benign. Last evaluated: 2020-05-11. Review status: criteria provided, single submitter. Criteria: GeneDx Variant Classification Process June 2021. Collection method: clinical testing. Allele origin: germline. Affected: yes.

Eurofins Ntd Llc (ga)
Classification: Uncertain significance. Last evaluated: 2013-04-26. Review status: criteria provided, single submitter. Criteria: EGL Classification Definitions 2015. Collection method: clinical testing. Allele origin: germline. Observed: 3 variant alleles, 3 heterozygotes.

PreventionGenetics, part of Exact Sciences
Classification: Likely benign for PLEC-related condition. Last evaluated: 2019-07-02. Review status: no assertion criteria provided. Collection method: clinical testing. Allele origin: germline. Not counted in ClinVar's aggregate classification.
Comment: This variant is classified as likely benign based on ACMG/AMP sequence variant interpretation guidelines (Richards et al. 2015 PMID: 25741868, with internal and published modifications).